The following is an entry in ClinVar:

ClinVar aggregate classification (germline): Uncertain significance (1 of 4 stars; one submission).

Conditions:
Cardiovascular phenotype. Identifiers: MedGen CN230736.

Allele frequency attached by ClinVar (database versions not stated): ExAC 0.00001; gnomAD exomes 0.00001; TOPMed 0.00001.
gnomAD v4.1: 11 of 1,614,092 alleles (0.00068%); highest among the groups gnomAD compares: Non-Finnish European, 0.00085%; no homozygotes.

Submission:

Ambry Genetics
Classification: Uncertain significance for Cardiovascular phenotype. Last evaluated: 2021-10-29. Review status: criteria provided, single submitter. Criteria: Ambry Variant Classification Scheme 2023. Collection method: clinical testing. Allele origin: germline.
Comment: The p.V1019I variant (also known as c.3055G>A), located in coding exon 20 of the ABCA1 gene, results from a G to A substitution at nucleotide position 3055. The valine at codon 1019 is replaced by isoleucine, an amino acid with highly similar properties. This amino acid position is conserved. In addition, this alteration is predicted to be tolerated by in silico analysis. Since supporting evidence is limited at this time, the clinical significance of this alteration remains unclear.

NM_005502.4(ABCA1):c.3055G>A (p.Val1019Ile)

Gene: ABCA1 (ATP binding cassette subfamily A member 1; minus strand). Cytogenetic location: 9q31.1.
Variant type: single nucleotide variant.
Coding change: c.3055G>A on transcript NM_005502.4 (MANE Select); coding-DNA position 3055, G replaced by A.
Protein change: p.Val1019Ile; replaces valine 1019 with isoleucine.
Molecular consequence: missense variant.
Genome position (GRCh38, 1-based): chr9:104,819,975, C>T on the plus strand (G>A on the coding strand, the complement: ABCA1 is on the minus strand). VCF-style: chr9-104819975-C-T. GRCh37 (hg19) VCF-style: chr9-107582256-C-T.
Other names: short protein forms V1019I.
Identifiers: ClinVar variation 1799297 (VCV001799297.2), dbSNP rs749504686, ClinGen allele CA5168560.
Genomic context (GRCh38, chr9:104,819,975, plus strand): 5'-TCTGGGCCGCACCTGACAGCTGGCTTGTTTTGCTTTTCAGCTTGCTTGATGGCAAACCAA[C>T]ATCCAGGGCCATCTGCTCCATCTCCGCCTTCACGTGCTTCTCAGAGAGCCCTTTCAAGCG-3'
Protein context (NP_005493.2, residues 1009-1029): KAEMEQMALD[Val1019Ile]GLPSSKLKSK